The following is an entry in ClinVar:

ClinVar aggregate classification (germline): Uncertain significance. Review status: criteria provided, multiple submitters, no conflicts (2 of 4 stars). 2 submissions from 2 submitters: Uncertain significance (2). Last evaluated 2022-03-27.

Conditions:
Spondyloepimetaphyseal dysplasia-short limb-abnormal calcification syndrome (SMED-SL). Also called: SMED, TYPE II; SMED-SL/AC; Spondylometaepiphyseal dysplasia, short limb-hand type; SMED short limb-hand type; SMED type 2; Spondylometaepiphyseal dysplasia short limb-abnormal calcification type. Identifiers: Orphanet 93358, MedGen C1849011, MONDO:0010077, OMIM 271665.

Allele frequency attached by ClinVar (database versions not stated): gnomAD 0.00001; gnomAD exomes 0.00003 and 0.00007; TOPMed 0.00004; ExAC 0.00007.

Submissions (2):

Labcorp Genetics (formerly Invitae), Labcorp
Classification: Uncertain significance. Last evaluated: 2022-03-27. Review status: criteria provided, single submitter. Criteria: Invitae Variant Classification Sherloc (09022015). Collection method: clinical testing. Allele origin: germline.
Comment: This sequence change replaces arginine, which is basic and polar, with cysteine, which is neutral and slightly polar, at codon 307 of the DDR2 protein (p.Arg307Cys). This variant is present in population databases (rs775988886, gnomAD 0.05%). This variant has not been reported in the literature in individuals affected with DDR2-related conditions. ClinVar contains an entry for this variant (Variation ID: 874712). Algorithms developed to predict the effect of missense changes on protein structure and function (SIFT, PolyPhen-2, Align-GVGD) all suggest that this variant is likely to be disruptive. In summary, the available evidence is currently insufficient to determine the role of this variant in disease. Therefore, it has been classified as a Variant of Uncertain Significance.

Illumina Laboratory Services, Illumina
Classification: Uncertain significance for Spondyloepimetaphyseal dysplasia-short limb-abnormal calcification syndrome. Last evaluated: 2018-01-15. Review status: criteria provided, single submitter. Criteria: ICSL Variant Classification Criteria 13 December 2019. Collection method: clinical testing. Allele origin: germline.

NM_006182.4(DDR2):c.919C>T (p.Arg307Cys)

Gene: DDR2 (discoidin domain receptor tyrosine kinase 2; plus strand). Cytogenetic location: 1q23.3.
Variant type: single nucleotide variant.
Coding change: c.919C>T on transcript NM_006182.4 (MANE Select); coding-DNA position 919, C replaced by T.
Protein change: p.Arg307Cys; replaces arginine 307 with cysteine.
Molecular consequence: missense variant.
Genome position (GRCh38, 1-based): chr1:162,761,274, C>T. VCF-style: chr1-162761274-C-T. GRCh37 (hg19) VCF-style: chr1-162731064-C-T.
Other names: c.919C>T, p.Arg307Cys (NM_001014796.3, NM_001354982.2, NM_001354983.2); short protein forms R307C.
Identifiers: ClinVar variation 874712 (VCV000874712.8), dbSNP rs775988886, ClinGen allele CA1217380.